The following is an entry in ClinVar:

ClinVar aggregate classification (germline): Uncertain significance. Review status: criteria provided, single submitter (1 of 4 stars). 2 submissions from 2 submitters: Uncertain significance (1). 1 of the submissions does not count toward it. Last evaluated 2022-03-29.

Conditions:
Mucopolysaccharidosis, MPS-III-C (MPS3C). Also called: MPS IIIC (Sanfilippo Syndrome Type C); MUCOPOLYSACCHARIDOSIS, TYPE IIIC; Mucopolysaccharidosis type IIIC (Sanfilippo C); mucopolysaccharidosis type 3C; SANFILIPPO SYNDROME C; MPS III C. Identifiers: Orphanet 581, Orphanet 79271, MedGen C0086649, MONDO:0009657, OMIM 252930.
Retinitis pigmentosa 73 (RP73). Identifiers: Orphanet 791, MedGen C4225287, MONDO:0014687, OMIM 616544.

gnomAD v4.1: 1 of 1,613,268 alleles (0.000062%); no homozygotes.

Submissions (2):

Labcorp Genetics (formerly Invitae), Labcorp
Classification: Uncertain significance for Retinitis pigmentosa 73; Mucopolysaccharidosis, MPS-III-C. Last evaluated: 2022-03-29. Review status: criteria provided, single submitter. Criteria: Invitae Variant Classification Sherloc (09022015). Collection method: clinical testing. Allele origin: germline.
Comment: In summary, the available evidence is currently insufficient to determine the role of this variant in disease. Therefore, it has been classified as a Variant of Uncertain Significance. Advanced modeling of protein sequence and biophysical properties (such as structural, functional, and spatial information, amino acid conservation, physicochemical variation, residue mobility, and thermodynamic stability) performed at Invitae indicates that this missense variant is not expected to disrupt HGSNAT protein function. ClinVar contains an entry for this variant (Variation ID: 1019133). This variant has not been reported in the literature in individuals affected with HGSNAT-related conditions. This variant is not present in population databases (gnomAD no frequency). This sequence change replaces proline, which is neutral and non-polar, with leucine, which is neutral and non-polar, at codon 371 of the HGSNAT protein (p.Pro371Leu).

Natera, Inc.
Classification: Uncertain significance for Mucopolysaccharidosis type IIIC. Last evaluated: 2021-03-26. Review status: no assertion criteria provided. Collection method: clinical testing. Allele origin: germline. Not counted in ClinVar's aggregate classification.

NM_152419.3(HGSNAT):c.1112C>T (p.Pro371Leu)

Gene: HGSNAT (heparan-alpha-glucosaminide N-acetyltransferase; plus strand). Cytogenetic location: 8p11.21.
Variant type: single nucleotide variant.
Coding change: c.1112C>T on transcript NM_152419.3 (MANE Select); coding-DNA position 1112, C replaced by T.
Protein change: p.Pro371Leu; replaces proline 371 with leucine.
Molecular consequence: missense variant.
Genome position (GRCh38, 1-based): chr8:43,182,244, C>T. VCF-style: chr8-43182244-C-T. GRCh37 (hg19) VCF-style: chr8-43037387-C-T.
Other names: c.1112C>T, p.Pro371Leu (NM_001363227.2); c.920C>T, p.Pro307Leu (NM_001363228.2); c.248C>T, p.Pro83Leu (NM_001363229.2); short protein forms P307L, P371L, P83L.
Identifiers: ClinVar variation 1019133 (VCV001019133.6), dbSNP rs1804152812, ClinGen allele CA371118501.